The following is an entry in ClinVar:

ClinVar aggregate classification (germline): Benign. Review status: criteria provided, multiple submitters, no conflicts (2 of 4 stars). 2 submissions from 2 submitters: Benign (2). Last evaluated 2018-06-16.

Allele frequency attached by ClinVar (database versions not stated): gnomAD 0.18849 and 0.19033; 1000 Genomes Project 0.19010; TOPMed 0.19660; 1000 Genomes Project 30x 0.19878.
gnomAD v4.1: 134,491 of 832,922 alleles (16%); highest among the groups gnomAD compares: African/African-American, 30%; 12,166 homozygotes.

Submissions (2):

GeneDx
Classification: Benign. Last evaluated: 2018-06-16. Review status: criteria provided, single submitter. Criteria: GeneDx Variant Classification (06012015). Collection method: clinical testing. Allele origin: germline. Affected: yes.
Comment: This variant is considered likely benign or benign based on one or more of the following criteria: it is a conservative change, it occurs at a poorly conserved position in the protein, it is predicted to be benign by multiple in silico algorithms, and/or has population frequency not consistent with disease.

Breakthrough Genomics
Classification: Benign. Review status: criteria provided, single submitter. Criteria: ACMG Guidelines, 2015. Collection method: not provided. Allele origin: germline. Inheritance: Autosomal recessive inheritance. Affected: yes.

NM_004369.4(COL6A3):c.6690+134A>G

Gene: COL6A3 (collagen type VI alpha 3 chain; minus strand). Cytogenetic location: 2q37.3.
Variant type: single nucleotide variant.
Coding change: c.6690+134A>G on transcript NM_004369.4 (MANE Select); 134 bases into the intron after coding-DNA position 6690, A replaced by G.
Molecular consequence: intron variant.
Genome position (GRCh38, 1-based): chr2:237,353,207, T>C on the plus strand (A>G on the coding strand, the complement: COL6A3 is on the minus strand). VCF-style: chr2-237353207-T-C. GRCh37 (hg19) VCF-style: chr2-238261850-T-C.
Other names: c.4869+134A>G (NM_057166.5); c.6072+134A>G (NM_057167.4).
Identifiers: ClinVar variation 679238 (VCV000679238.2), dbSNP rs2646257, ClinGen allele CA11142082.
Genomic context (GRCh38, chr2:237,353,207, plus strand): 5'-GGTACAGGTCTCCTTCGAGACTGTGTTTTGAACCTAGATAGAGGTGATGATTGCACAGCA[T>C]TGTGGAAGTACCAAATGCCACTGGATTGTTCACTTTAAAATGGTTAACTTTCCGGATATA-3'